The following is an entry in ClinVar:

NM_014856.3(DENND4B):c.1819+4T>C

Gene: DENND4B (DENN domain containing 4B; minus strand). Cytogenetic location: 1q21.3.
Variant type: single nucleotide variant.
Coding change: c.1819+4T>C on transcript NM_014856.3 (MANE Select); 4 bases into the intron after coding-DNA position 1819, T replaced by C.
Molecular consequence: intron variant.
Genome position (GRCh38, 1-based): chr1:153,939,585, A>G on the plus strand (T>C on the coding strand, the complement: DENND4B is on the minus strand). VCF-style: chr1-153939585-A-G. GRCh37 (hg19) VCF-style: chr1-153912061-A-G.
Other names: c.1852+4T>C (NM_001367466.1).
Identifiers: ClinVar variation 3058049 (VCV003058049.2), dbSNP rs375299731, ClinGen allele CA1121621.
Genomic context (GRCh38, chr1:153,939,585, plus strand): 5'-AGAGCCCAGCCCCTCGCCACCTCCTCCCATGATACATCTCCAAGCAGAGACAGGCCCTCT[A>G]TACCCTGCAGGAAGAAAAGGTTGTCAACATCACGAGCTCCCTCGGAGGGGGCCTGGGTGA-3'

ClinVar aggregate classification (germline): Likely benign (0 of 4 stars; one submission).

Conditions:
DENND4B-related disorder. Also called: DENND4B-related condition.

Allele frequency attached by ClinVar (database versions not stated): gnomAD exomes 0.00002; TOPMed 0.00002; gnomAD 0.00003; ExAC 0.00005; ESP Exome Variant Server 0.00008; 1000 Genomes Project 30x 0.00016; 1000 Genomes Project 0.00020.
gnomAD v4.1: 42 of 1,604,524 alleles (0.0026%); highest among the groups gnomAD compares: East Asian, 0.04%; no homozygotes.

Submission:

PreventionGenetics, part of Exact Sciences
Classification: Likely benign for DENND4B-related condition. Last evaluated: 2019-03-21. Review status: no assertion criteria provided. Collection method: clinical testing. Allele origin: germline.
Comment: This variant is classified as likely benign based on ACMG/AMP sequence variant interpretation guidelines (Richards et al. 2015 PMID: 25741868, with internal and published modifications).